The following is an entry in ClinVar:

ClinVar aggregate classification (germline): Likely benign. Review status: criteria provided, multiple submitters, no conflicts (2 of 4 stars). 2 submissions from 2 submitters: Likely benign (2). Last evaluated 2022-08-26.

Conditions:
Intellectual developmental disorder, autosomal dominant 1. Also called: MBD5 Haploinsufficiency; Intellectual disability, autosomal dominant 1. Identifiers: Orphanet 228402, MedGen C1969562, MONDO:0007974, OMIM 156200.

gnomAD v4.1: 15 of 1,614,106 alleles (0.00093%); highest among the groups gnomAD compares: Non-Finnish European, 0.0013%; no homozygotes.

Submissions (2):

Labcorp Genetics (formerly Invitae), Labcorp
Classification: Likely benign for Intellectual developmental disorder, autosomal dominant 1. Last evaluated: 2022-08-26. Review status: criteria provided, single submitter. Criteria: Invitae Variant Classification Sherloc (09022015). Collection method: clinical testing. Allele origin: germline.

GeneDx
Classification: Likely benign. Last evaluated: 2018-02-05. Review status: criteria provided, single submitter. Criteria: GeneDx Variant Classification (06012015). Collection method: clinical testing. Allele origin: germline. Affected: yes.
Comment: This variant is considered likely benign or benign based on one or more of the following criteria: it is a conservative change, it occurs at a poorly conserved position in the protein, it is predicted to be benign by multiple in silico algorithms, and/or has population frequency not consistent with disease.

NM_001378120.1(MBD5):c.4935A>C (p.Ser1645=)

Gene: MBD5 (methyl-CpG binding domain protein 5; plus strand). Cytogenetic location: 2q23.1.
Variant type: single nucleotide variant.
Coding change: c.4935A>C on transcript NM_001378120.1 (MANE Select); coding-DNA position 4935, A replaced by C.
Protein change: p.Ser1645=; no amino-acid change (serine 1645 retained).
Molecular consequence: synonymous variant.
Genome position (GRCh38, 1-based): chr2:148,490,567, A>C. VCF-style: chr2-148490567-A-C. GRCh37 (hg19) VCF-style: chr2-149248136-A-C.
Other names: c.4236A>C, p.Ser1412= (NM_018328.5).
Identifiers: ClinVar variation 413946 (VCV000413946.12), dbSNP rs149419174, ClinGen allele CA16610209.